The following is an entry in ClinVar:

ClinVar aggregate classification (germline): Uncertain significance (1 of 4 stars; one submission).

Conditions:
Congenital myopathy with internal nuclei and atypical cores. Also called: Myopathy, centronuclear, 4. Identifiers: Orphanet 319160, MedGen C4707232, MONDO:0013890, OMIM 614807.

Allele frequency attached by ClinVar (database versions not stated): gnomAD exomes 0.00001; TOPMed 0.00002; gnomAD 0.00003.
gnomAD v4.1: 9 of 1,611,582 alleles (0.00056%); highest among the groups gnomAD compares: Admixed American, 0.015%; no homozygotes.

Submission:

Labcorp Genetics (formerly Invitae), Labcorp
Classification: Uncertain significance for Congenital myopathy with internal nuclei and atypical cores. Last evaluated: 2026-01-19. Review status: criteria provided, single submitter. Criteria: Invitae Variant Classification Sherloc (09022015). Collection method: clinical testing. Allele origin: germline.
Comment: This sequence change replaces alanine, which is neutral and non-polar, with aspartic acid, which is acidic and polar, at codon 295 of the CCDC78 protein (p.Ala295Asp). This variant is present in population databases (no rsID available, gnomAD 0.006%). This variant has not been reported in the literature in individuals affected with CCDC78-related conditions. ClinVar contains an entry for this variant (Variation ID: 1350354). Invitae Evidence Modeling of protein sequence and biophysical properties (such as structural, functional, and spatial information, amino acid conservation, physicochemical variation, residue mobility, and thermodynamic stability) has been performed for this missense variant. However, the output from this modeling did not meet the statistical confidence thresholds required to predict the impact of this variant on CCDC78 protein function. In summary, the available evidence is currently insufficient to determine the role of this variant in disease. Therefore, it has been classified as a Variant of Uncertain Significance.

NM_001378030.1(CCDC78):c.884C>A (p.Ala295Asp)

Gene: CCDC78 (coiled-coil domain containing 78; minus strand). Cytogenetic location: 16p13.3.
Variant type: single nucleotide variant.
Coding change: c.884C>A on transcript NM_001378030.1 (MANE Select); coding-DNA position 884, C replaced by A.
Protein change: p.Ala295Asp; replaces alanine 295 with aspartic acid.
Molecular consequence: missense variant. On other transcripts: non-coding transcript variant (5).
Genome position (GRCh38, 1-based): chr16:724,391, G>T on the plus strand (C>A on the coding strand, the complement: CCDC78 is on the minus strand). VCF-style: chr16-724391-G-T. GRCh37 (hg19) VCF-style: chr16-774391-G-T.
Other names: c.884C>A, p.Ala295Asp (NM_001031737.3, NM_001378031.1); c.317C>A, p.Ala106Asp (NM_001378033.1); short protein forms A295D, A106D.
Identifiers: ClinVar variation 1350354 (VCV001350354.8), dbSNP rs1418782154, ClinGen allele CA394100238.